The following is an entry in ClinVar:

ClinVar aggregate classification (germline): Likely benign (1 of 4 stars; one submission).

Allele frequency attached by ClinVar (database versions not stated): ExAC 0.00004; 1000 Genomes Project 30x 0.00047.
gnomAD v4.1: 327 of 1,602,738 alleles (0.02%); highest among the groups gnomAD compares: East Asian, 0.06%; 6 homozygotes.

Submission:

CeGaT Center for Human Genetics Tuebingen
Classification: Likely benign. Last evaluated: 2022-04-01. Review status: criteria provided, single submitter. Criteria: CeGaT Center For Human Genetics Tuebingen Variant Classification Criteria Version 2. Collection method: clinical testing. Allele origin: germline. Affected: yes. Observed: 1 variant allele.
Comment: GOLGA8S: BP4, BP7

NM_001395373.1(GOLGA8S):c.1434G>T (p.Leu478=)

Gene: GOLGA8S (golgin A8 family member S; plus strand). Cytogenetic location: 15q11.2.
Variant type: single nucleotide variant.
Coding change: c.1434G>T on transcript NM_001395373.1 (MANE Select); coding-DNA position 1434, G replaced by T.
Protein change: p.Leu478=; no amino-acid change (leucine 478 retained).
Molecular consequence: synonymous variant.
Genome position (GRCh38, 1-based): chr15:23,364,390, G>T. VCF-style: chr15-23364390-G-T. GRCh37 (hg19) VCF-style: chr15-23609537-G-T.
Other names: c.756G>T, p.Leu252= (NM_001355465.2).
Identifiers: ClinVar variation 2644968 (VCV002644968.24), dbSNP rs4036676, ClinGen allele CA7428269.